The following is an entry in ClinVar:

NM_153676.4(USH1C):c.876+2_876+3del

Gene: USH1C (USH1 protein network component harmonin; minus strand). Cytogenetic location: 11p15.1.
Variant type: Deletion.
Coding change: c.876+2_876+3del on transcript NM_153676.4 (MANE Select); the canonical splice donor site of the intron after coding-DNA position 876 through 3 bases into the intron after coding-DNA position 876, 2 bases deleted (TA; older notation c.876+2_876+3delTA).
Molecular consequence: splice donor variant. On other transcripts: intron variant (1).
Genome position (GRCh38, 1-based): chr11:17,523,208-17,523,209, TA deleted on the plus strand (TA on the coding strand, the reverse complement: USH1C is on the minus strand). VCF-style (leftmost placement, unchanged base first): chr11-17523207-TTA-T. GRCh37 (hg19) VCF-style: chr11-17544754-TTA-T.
Other names: c.819+210_819+211del (NM_001297764.2); c.876+2_876+3del (NM_005709.4).
Identifiers: ClinVar variation 3721006 (VCV003721006.2).

ClinVar aggregate classification (germline): Likely pathogenic (1 of 4 stars; one submission).

Submission:

Labcorp Genetics (formerly Invitae), Labcorp
Classification: Likely pathogenic. Last evaluated: 2024-02-09. Review status: criteria provided, single submitter. Criteria: Invitae Variant Classification Sherloc (09022015). Collection method: clinical testing. Allele origin: germline.
Comment: This sequence change affects a splice site in intron 11 of the USH1C gene. It is expected to disrupt RNA splicing. Variants that disrupt the donor or acceptor splice site typically lead to a loss of protein function (PMID: 16199547), and loss-of-function variants in USH1C are known to be pathogenic (PMID: 10973247, 17407589, 20301442, 21203349). This variant is not present in population databases (gnomAD no frequency). Disruption of this splice site has been observed in individual(s) with non-syndromic deafness (PMID: 26226137). Algorithms developed to predict the effect of sequence changes on RNA splicing suggest that this variant may disrupt the consensus splice site. In summary, the currently available evidence indicates that the variant is pathogenic, but additional data are needed to prove that conclusively. Therefore, this variant has been classified as Likely Pathogenic.

Literature cited by the submitters: PubMed 16199547; PubMed 10973247; PubMed 17407589; PubMed 20301442; PubMed 21203349; PubMed 26226137.